The following is an entry in ClinVar:

NC_000023.10:g.(?_110005903)_(110006055_?)del

Gene: CHRDL1 (chordin like 1; minus strand). Cytogenetic location: Xq23.
Variant type: Deletion.
Identifiers: ClinVar variation 2423879 (VCV002423879.4).

ClinVar aggregate classification (germline): Pathogenic (1 of 4 stars; one submission).

Submission:

Labcorp Genetics (formerly Invitae), Labcorp
Classification: Pathogenic. Last evaluated: 2022-07-26. Review status: criteria provided, single submitter. Criteria: Invitae Variant Classification Sherloc (09022015). Collection method: clinical testing. Allele origin: germline.
Comment: For these reasons, this variant has been classified as Pathogenic. This variant has not been reported in the literature in individuals affected with CHRDL1-related conditions. This variant is a gross deletion of the genomic region encompassing exon(s) 3 of the CHRDL1 gene. This deletion is out-of-frame, and is expected to create a premature termination codon and result in an absent or disrupted protein product. Loss-of-function variants in CHRDL1 are known to be pathogenic (PMID: 22284829, 25093588).

Literature cited by the submitters: PubMed 22284829; PubMed 25093588.